The following is an entry in ClinVar:

ClinVar aggregate classification (germline): Uncertain significance. Review status: criteria provided, multiple submitters, no conflicts (2 of 4 stars). 2 submissions from 2 submitters: Uncertain significance (2). Last evaluated 2022-03-01.

Allele frequency attached by ClinVar (database versions not stated): gnomAD exomes below 0.00001 and 0.00001; ExAC 0.00001; gnomAD 0.00001; TOPMed 0.00001.
gnomAD v4.1: 22 of 1,613,788 alleles (0.0014%); highest among the groups gnomAD compares: Non-Finnish European, 0.0019%; no homozygotes.

Submissions (2):

Labcorp Genetics (formerly Invitae), Labcorp
Classification: Uncertain significance. Last evaluated: 2022-03-01. Review status: criteria provided, single submitter. Criteria: Invitae Variant Classification Sherloc (09022015). Collection method: clinical testing. Allele origin: germline.
Comment: In summary, the available evidence is currently insufficient to determine the role of this variant in disease. Therefore, it has been classified as a Variant of Uncertain Significance. Algorithms developed to predict the effect of missense changes on protein structure and function (SIFT, PolyPhen-2, Align-GVGD) all suggest that this variant is likely to be tolerated. ClinVar contains an entry for this variant (Variation ID: 871107). This variant has not been reported in the literature in individuals affected with NFKB1-related conditions. This variant is present in population databases (rs751865962, gnomAD 0.0009%). This sequence change replaces arginine, which is basic and polar, with serine, which is neutral and polar, at codon 878 of the NFKB1 protein (p.Arg878Ser).

CeGaT Center for Human Genetics Tuebingen
Classification: Uncertain significance. Last evaluated: 2019-09-01. Review status: criteria provided, single submitter. Criteria: CeGaT Center For Human Genetics Tuebingen Variant Classification Criteria Version 2. Collection method: clinical testing. Allele origin: germline. Affected: yes. Observed: 1 variant allele.

NM_003998.4(NFKB1):c.2634A>T (p.Arg878Ser)

Gene: NFKB1 (nuclear factor kappa B subunit 1; plus strand). Cytogenetic location: 4q24.
Variant type: single nucleotide variant.
Coding change: c.2634A>T on transcript NM_003998.4 (MANE Select); coding-DNA position 2634, A replaced by T.
Protein change: p.Arg878Ser; replaces arginine 878 with serine.
Molecular consequence: missense variant.
Genome position (GRCh38, 1-based): chr4:102,613,466, A>T. VCF-style: chr4-102613466-A-T. GRCh37 (hg19) VCF-style: chr4-103534623-A-T.
Other names: c.2631A>T, p.Arg877Ser (NM_001165412.2, NM_001319226.2); short protein forms R877S, R878S.
Identifiers: ClinVar variation 871107 (VCV000871107.45), dbSNP rs751865962, ClinGen allele CA3026488.